The following is an entry in ClinVar:

ClinVar aggregate classification (germline): Uncertain significance. Review status: criteria provided, multiple submitters, no conflicts (2 of 4 stars). 2 submissions from 2 submitters: Uncertain significance (2). Last evaluated 2025-03-19.

Conditions:
Cerebral cavernous malformation (CCM). Also called: CAVERNOUS ANGIOMA, FAMILIAL; CAVERNOUS ANGIOMATOUS MALFORMATIONS; CEREBRAL CAPILLARY MALFORMATIONS; Cavernous Hemangioma of Brain; Cerebral cavernous malformations; Cerebral cavernous hemangioma (type). Identifiers: Orphanet 221061, MedGen C2919945, MONDO:0000820, OMIM 116860, HP:0033522.

Submissions (2):

GeneDx
Classification: Uncertain significance. Last evaluated: 2025-03-19. Review status: criteria provided, single submitter. Criteria: GeneDx Variant Classification Process June 2021. Collection method: clinical testing. Allele origin: germline.
Comment: Not observed at significant frequency in large population cohorts (gnomAD); In silico analysis supports that this missense variant has a deleterious effect on protein structure/function; Has not been previously published as pathogenic or benign to our knowledge

Labcorp Genetics (formerly Invitae), Labcorp
Classification: Uncertain significance for Cerebral cavernous malformation. Last evaluated: 2022-04-06. Review status: criteria provided, single submitter. Criteria: Invitae Variant Classification Sherloc (09022015). Collection method: clinical testing. Allele origin: germline.
Comment: In summary, the available evidence is currently insufficient to determine the role of this variant in disease. Therefore, it has been classified as a Variant of Uncertain Significance. Algorithms developed to predict the effect of missense changes on protein structure and function are either unavailable or do not agree on the potential impact of this missense change (SIFT: "Deleterious"; PolyPhen-2: "Possibly Damaging"; Align-GVGD: "Class C0"). This missense change has been observed in individual(s) with cerebral cavernous malformations (Invitae). It has also been observed to segregate with disease in related individuals. This variant is not present in population databases (gnomAD no frequency). This sequence change replaces glutamic acid, which is acidic and polar, with lysine, which is basic and polar, at codon 534 of the KRIT1 protein (p.Glu534Lys).

NM_194454.3(KRIT1):c.1600G>A (p.Glu534Lys)

Gene: KRIT1 (KRIT1 ankyrin repeat containing; minus strand). Cytogenetic location: 7q21.2.
Variant type: single nucleotide variant.
Coding change: c.1600G>A on transcript NM_194454.3 (MANE Select); coding-DNA position 1600, G replaced by A.
Protein change: p.Glu534Lys; replaces glutamic acid 534 with lysine.
Molecular consequence: missense variant.
Genome position (GRCh38, 1-based): chr7:92,214,741, C>T on the plus strand (G>A on the coding strand, the complement: KRIT1 is on the minus strand). VCF-style: chr7-92214741-C-T. GRCh37 (hg19) VCF-style: chr7-91844055-C-T.
Other names: c.1456G>A, p.Glu486Lys (NM_001013406.2, NM_001350669.1, NM_001350670.1); c.886G>A, p.Glu296Lys (NM_001350671.1); c.1600G>A, p.Glu534Lys (NM_001350672.1, NM_001350673.1, NM_001350674.1 and 26 more transcripts); short protein forms E486K, E296K, E534K.
Identifiers: ClinVar variation 2099495 (VCV002099495.6), dbSNP rs2535726962, ClinGen allele CA368142379.
Genomic context (GRCh38, chr7:92,214,741, plus strand): 5'-ATGTTATCAGCTTAGCATCAGGAGCTGTATAAAAGCCCTTCAATAAATTATATCTGGCTT[C>T]ATCAAAGAGAATAAGAATAGCTAGTGGGTCTTCAATCTTAAAGGAAAAAGTATAATTTGG-3'
Protein context (NP_919436.1, residues 524-544): DPLAILILFD[Glu534Lys]ARYNLLKGFY